The following is an entry in ClinVar:

ClinVar aggregate classification (germline): Uncertain significance (1 of 4 stars; one submission).

Conditions:
Idiopathic generalized epilepsy. Also called: EIG; Generalised epilepsy. Identifiers: MedGen C0270850, MONDO:0005579, OMIM 600669.

Allele frequency attached by ClinVar (database versions not stated): gnomAD exomes below 0.00001.
gnomAD v4.1: 2 of 1,546,354 alleles (0.00013%); highest among the groups gnomAD compares: Non-Finnish European, 0.00017%; no homozygotes.

Submission:

Labcorp Genetics (formerly Invitae), Labcorp
Classification: Uncertain significance for Idiopathic generalized epilepsy. Last evaluated: 2018-11-08. Review status: criteria provided, single submitter. Criteria: Invitae Variant Classification Sherloc (09022015). Collection method: clinical testing. Allele origin: germline.
Comment: In summary, the available evidence is currently insufficient to determine the role of this variant in disease. Therefore, it has been classified as a Variant of Uncertain Significance. Algorithms developed to predict the effect of missense changes on protein structure and function (SIFT, PolyPhen-2, Align-GVGD) all suggest that this variant is likely to be tolerated, but these predictions have not been confirmed by published functional studies and their clinical significance is uncertain. This variant has not been reported in the literature in individuals with RBFOX3-related disease. The frequency data for this variant in the population databases is considered unreliable, as metrics indicate insufficient coverage at this position in the ExAC database. This sequence change replaces phenylalanine with leucine at codon 238 of the RBFOX3 protein (p.Phe238Leu). The phenylalanine residue is moderately conserved and there is a small physicochemical difference between phenylalanine and leucine.

NM_001350451.2(RBFOX3):c.714T>G (p.Phe238Leu)

Gene: RBFOX3 (RNA binding fox-1 homolog 3; minus strand). Cytogenetic location: 17q25.3.
Variant type: single nucleotide variant.
Coding change: c.714T>G on transcript NM_001350451.2 (MANE Select); coding-DNA position 714, T replaced by G.
Protein change: p.Phe238Leu; replaces phenylalanine 238 with leucine.
Molecular consequence: missense variant.
Genome position (GRCh38, 1-based): chr17:79,097,333, A>C on the plus strand (T>G on the coding strand, the complement: RBFOX3 is on the minus strand). VCF-style: chr17-79097333-A-C. GRCh37 (hg19) VCF-style: chr17-77093415-A-C.
Other names: c.714T>G, p.Phe238Leu (NM_001082575.3, NM_001350453.2, NM_001385804.1 and 33 more transcripts); c.711T>G, p.Phe237Leu (NM_001385843.1, NM_001385844.1, NM_001385845.1 and 4 more transcripts); c.567T>G, p.Phe189Leu (NM_001385847.1); c.621T>G, p.Phe207Leu (NM_001385824.1); c.735T>G, p.Phe245Leu (NM_001385827.1); short protein forms F238L, F189L, F207L, F237L, F245L.
Identifiers: ClinVar variation 640789 (VCV000640789.8), dbSNP rs1599396290, ClinGen allele CA401316435.